The following is an entry in ClinVar:

ClinVar aggregate classification (germline): Uncertain significance. Review status: criteria provided, multiple submitters, no conflicts (2 of 4 stars). 2 submissions from 2 submitters: Uncertain significance (2). Last evaluated 2023-12-27.

Conditions:
Donnai-Barrow syndrome. Also called: DBS/FOAR SYNDROME; FACIOOCULOACOUSTICORENAL SYNDROME. Identifiers: Orphanet 2143, MedGen C1857277, MONDO:0009104, OMIM 222448.

gnomAD v4.1: 1 of 1,614,158 alleles (0.000062%); highest among the groups gnomAD compares: Non-Finnish European, 0.000085%; no homozygotes.

Submissions (2):

Fulgent Genetics
Classification: Uncertain significance for Donnai-Barrow syndrome. Last evaluated: 2023-12-27. Review status: criteria provided, single submitter. Criteria: ACMG Guidelines, 2015. Collection method: clinical testing. Allele origin: germline.

GeneDx
Classification: Uncertain significance. Last evaluated: 2023-10-09. Review status: criteria provided, single submitter. Criteria: GeneDx Variant Classification Process June 2021. Collection method: clinical testing. Allele origin: germline. Affected: yes.
Comment: Not observed at significant frequency in large population cohorts (gnomAD); In silico analysis supports that this missense variant has a deleterious effect on protein structure/function; Has not been previously published as pathogenic or benign to our knowledge

NM_004525.3(LRP2):c.7408G>A (p.Gly2470Ser)

Gene: LRP2 (LDL receptor related protein 2; minus strand). Cytogenetic location: 2q31.1.
Variant type: single nucleotide variant.
Coding change: c.7408G>A on transcript NM_004525.3 (MANE Select); coding-DNA position 7408, G replaced by A.
Protein change: p.Gly2470Ser; replaces glycine 2470 with serine.
Molecular consequence: missense variant.
Genome position (GRCh38, 1-based): chr2:169,206,171, C>T on the plus strand (G>A on the coding strand, the complement: LRP2 is on the minus strand). VCF-style: chr2-169206171-C-T. GRCh37 (hg19) VCF-style: chr2-170062681-C-T.
Other names: short protein forms G2470S.
Identifiers: ClinVar variation 3252656 (VCV003252656.2), dbSNP rs2545807293.
Genomic context (GRCh38, chr2:169,206,171, plus strand): 5'-TCATCTGGTTGAGGTAGTCACTGTAATAAATTCTTCTAGTAATCCAGTCAAAGGCAATGC[C>T]ATCAGCAGTCCCTATACCTGGACACATACAGGCAGACACACACACAAGCACACACAAAGA-3'
Protein context (NP_004516.2, residues 2460-2480): VIASGIGTAD[Gly2470Ser]IAFDWITRRI